The following is an entry in ClinVar:

ClinVar aggregate classification (germline): Uncertain significance. Review status: criteria provided, multiple submitters, no conflicts (2 of 4 stars). 2 submissions from 2 submitters: Uncertain significance (2). Last evaluated 2025-09-06.

Conditions:
Inborn genetic diseases. Identifiers: MedGen C0950123, MeSH D030342.
Baller-Gerold syndrome (BGS). Also called: CRANIOSYNOSTOSIS WITH RADIAL DEFECTS. Identifiers: Orphanet 1225, MedGen C0265308, MONDO:0009039, OMIM 218600.

Allele frequency attached by ClinVar (database versions not stated): gnomAD exomes below 0.00001; gnomAD 0.00001; ExAC 0.00002.
gnomAD v4.1: 2 of 1,608,844 alleles (0.00012%); highest among the groups gnomAD compares: East Asian, 0.0022%; no homozygotes.

Submissions (2):

Ambry Genetics
Classification: Uncertain significance for Inborn genetic diseases. Last evaluated: 2025-09-06. Review status: criteria provided, single submitter. Criteria: Ambry Variant Classification Scheme 2023. Collection method: clinical testing. Allele origin: germline.
Comment: The p.V227I variant (also known as c.679G>A), located in coding exon 5 of the RECQL4 gene, results from a G to A substitution at nucleotide position 679. The valine at codon 227 is replaced by isoleucine, an amino acid with highly similar properties. This amino acid position is conserved. In addition, this alteration is predicted to be tolerated by in silico analysis. Based on the available evidence, the clinical significance of this variant remains unclear.

Labcorp Genetics (formerly Invitae), Labcorp
Classification: Uncertain significance for Baller-Gerold syndrome. Last evaluated: 2025-05-01. Review status: criteria provided, single submitter. Criteria: Invitae Variant Classification Sherloc (09022015). Collection method: clinical testing. Allele origin: germline.
Comment: This sequence change replaces valine, which is neutral and non-polar, with isoleucine, which is neutral and non-polar, at codon 227 of the RECQL4 protein (p.Val227Ile). The frequency data for this variant in the population databases is considered unreliable, as metrics indicate poor data quality at this position in the gnomAD database. This variant has not been reported in the literature in individuals affected with RECQL4-related conditions. ClinVar contains an entry for this variant (Variation ID: 2898444). Invitae Evidence Modeling of protein sequence and biophysical properties (such as structural, functional, and spatial information, amino acid conservation, physicochemical variation, residue mobility, and thermodynamic stability) indicates that this missense variant is not expected to disrupt RECQL4 protein function with a negative predictive value of 80%. In summary, the available evidence is currently insufficient to determine the role of this variant in disease. Therefore, it has been classified as a Variant of Uncertain Significance.

NM_004260.4(RECQL4):c.679G>A (p.Val227Ile)

Gene: RECQL4 (RecQ like helicase 4; minus strand). Cytogenetic location: 8q24.3.
Variant type: single nucleotide variant.
Coding change: c.679G>A on transcript NM_004260.4 (MANE Select); coding-DNA position 679, G replaced by A.
Protein change: p.Val227Ile; replaces valine 227 with isoleucine.
Molecular consequence: missense variant. On other transcripts: 5 prime UTR variant (15), non-coding transcript variant (3), intron variant (3).
Genome position (GRCh38, 1-based): chr8:144,516,440, C>T on the plus strand (G>A on the coding strand, the complement: RECQL4 is on the minus strand). VCF-style: chr8-144516440-C-T. GRCh37 (hg19) VCF-style: chr8-145741824-C-T.
Other names: c.679G>A, p.Val227Ile (NM_001413033.1, NM_001413036.1, NM_001413039.1 and 4 more transcripts); c.-297G>A (NM_001413034.1); c.-393G>A (NM_001413035.1, NM_001413037.1, NM_001413038.1 and 5 more transcripts); c.-455G>A (NM_001413041.1, NM_001413027.1, NM_001413030.1 and 2 more transcripts); c.-662G>A (NM_001413043.1); c.355-27G>A (NM_001413029.1); c.-366-27G>A (NM_001413021.1, NM_001413028.1); c.679G>A (NM_004260.3); and 1 more; short protein forms V184I, V227I.
Identifiers: ClinVar variation 2898444 (VCV002898444.4), dbSNP rs762756480, ClinGen allele CA4949208.